The following is an entry in ClinVar:

ClinVar aggregate classification (germline): Benign/Likely benign. Review status: criteria provided, multiple submitters, no conflicts (2 of 4 stars). 6 submissions from 6 submitters: Benign (4); Likely benign (1). 1 of the submissions does not count toward it. Last evaluated 2026-02-04.

Conditions:
Myopathy, lactic acidosis, and sideroblastic anemia 2 (MLASA2). Identifiers: Orphanet 2598, MedGen C3150802, MONDO:0013307, OMIM 613561.

Allele frequency attached by ClinVar (database versions not stated): gnomAD exomes 0.12306 and 0.13396; ExAC 0.12586; 1000 Genomes Project 0.12660; 1000 Genomes Project 30x 0.12851; gnomAD 0.14027 and 0.14334; TOPMed 0.14596; ESP Exome Variant Server 0.14955.
gnomAD v4.1: 217,629 of 1,613,962 alleles (13%); highest among the groups gnomAD compares: Middle Eastern, 18%; 15,104 homozygotes.

Submissions (6):

Labcorp Genetics (formerly Invitae), Labcorp
Classification: Benign. Last evaluated: 2026-02-04. Review status: criteria provided, single submitter. Criteria: Invitae Variant Classification Sherloc (09022015). Collection method: clinical testing. Allele origin: germline.

Genome-Nilou Lab
Classification: Benign for Myopathy, lactic acidosis, and sideroblastic anemia 2. Last evaluated: 2021-12-05. Review status: criteria provided, single submitter. Criteria: ACMG Guidelines, 2015. Collection method: clinical testing. Allele origin: germline. Affected: no.

Illumina Laboratory Services, Illumina
Classification: Benign for Myopathy, lactic acidosis, and sideroblastic anemia 2. Last evaluated: 2018-01-13. Review status: criteria provided, single submitter. Criteria: ICSL Variant Classification Criteria 13 December 2019. Collection method: clinical testing. Allele origin: germline.
Comment: This variant was observed in the ICSL laboratory as part of a predisposition screen in an ostensibly healthy population. It had not been previously curated by ICSL or reported in the Human Gene Mutation Database (HGMD: prior to June 1st, 2018), and was therefore a candidate for classification through an automated scoring system. Utilizing variant allele frequency, disease prevalence and penetrance estimates, and inheritance mode, an automated score was calculated to assess if this variant is too frequent to cause the disease. Based on the score and internal cut-off values, a variant classified as benign is not then subjected to further curation. The score for this variant resulted in a classification of benign for this disease.

GeneDx
Classification: Benign. Last evaluated: 2015-03-03. Review status: criteria provided, single submitter. Criteria: GeneDx Variant Classification Process June 2021. Collection method: clinical testing. Allele origin: germline. Affected: yes.
Comment: This variant is associated with the following publications: (PMID: 30026338, 29300242, 26647310, 24344687)

Breakthrough Genomics
Classification: Likely benign. Review status: criteria provided, single submitter. Criteria: ACMG Guidelines, 2015. Collection method: not provided. Allele origin: germline. Inheritance: Autosomal recessive inheritance. Affected: yes.

Mayo Clinic Laboratories, Mayo Clinic
Classification: Benign. Last evaluated: 2016-02-22. Review status: no assertion criteria provided. Collection method: clinical testing. Allele origin: unknown. Not counted in ClinVar's aggregate classification.

NM_001040436.3(YARS2):c.572G>T (p.Gly191Val)

Gene: YARS2 (tyrosyl-tRNA synthetase 2; minus strand). Cytogenetic location: 12p11.21.
Variant type: single nucleotide variant.
Coding change: c.572G>T on transcript NM_001040436.3 (MANE Select); coding-DNA position 572, G replaced by T.
Protein change: p.Gly191Val; replaces glycine 191 with valine.
Molecular consequence: missense variant.
Genome position (GRCh38, 1-based): chr12:32,755,303, C>A on the plus strand (G>T on the coding strand, the complement: YARS2 is on the minus strand). VCF-style: chr12-32755303-C-A. GRCh37 (hg19) VCF-style: chr12-32908237-C-A.
Other names: short protein forms G191V.
Identifiers: ClinVar variation 308460 (VCV000308460.21), dbSNP rs11539445, ClinGen allele CA6508151.